The following is an entry in ClinVar:

NM_001854.4(COL11A1):c.1683+3A>G

Gene: COL11A1 (collagen type XI alpha 1 chain; minus strand). Cytogenetic location: 1p21.1.
Variant type: single nucleotide variant.
Coding change: c.1683+3A>G on transcript NM_001854.4 (MANE Select); 3 bases into the intron after coding-DNA position 1683, A replaced by G.
Molecular consequence: intron variant.
Genome position (GRCh38, 1-based): chr1:103,008,460, T>C on the plus strand (A>G on the coding strand, the complement: COL11A1 is on the minus strand). VCF-style: chr1-103008460-T-C. GRCh37 (hg19) VCF-style: chr1-103474016-T-C.
Other names: c.1566+3A>G (NM_001190709.2); c.1719+3A>G (NM_080629.3); c.1335+3A>G (NM_080630.4).
Identifiers: ClinVar variation 1308787 (VCV001308787.2), dbSNP rs2101869327, ClinGen allele CA419207777.

ClinVar aggregate classification (germline): Uncertain significance (1 of 4 stars; one submission).

Submission:

GeneDx
Classification: Uncertain significance. Last evaluated: 2019-10-28. Review status: criteria provided, single submitter. Criteria: GeneDx Variant Classification Process June 2021. Collection method: clinical testing. Allele origin: germline. Affected: yes.
Comment: Not observed in large population cohorts (Lek et al., 2016); In-silico analysis, which includes splice predictors and evolutionary conservation, is inconclusive as to whether the variant alters gene splicing. In the absence of RNA/functional studies, the actual effect of this sequence change is unknown.; Has not been previously published as pathogenic or benign to our knowledge; A different nucleotide change at this same splice site (c.1683+3A>C) has been reported in the published literature in association with Stickler syndrome, although familial segregation data and additional clinical information were not provided (Richards et al., 2010)